The following is an entry in ClinVar:

NM_004606.5(TAF1):c.4252TAC[1] (p.Tyr1419del)

Gene: TAF1 (TATA-box binding protein associated factor 1; plus strand). Cytogenetic location: Xq13.1.
Variant type: Microsatellite.
Coding change: c.4252TAC[1] on transcript NM_004606.5 (MANE Select); one copy of the 3-base unit TAC starting at c.4252; the reference has two copies in a row; one copy, 3 bases deleted.
Protein change: p.Tyr1419del; deletes tyrosine 1419.
Molecular consequence: non-coding transcript variant (on NR_104387.2).
Genome position (GRCh38, 1-based): chrX:71,408,022-71,408,024, TAC deleted; deleting any 3 consecutive bases within chrX:71,408,017-71,408,024 gives the same sequence; the position shown is the placement nearest the transcript's 3' end. VCF-style (leftmost placement, unchanged base first): chrX-71408016-GACT-G. GRCh37 (hg19) VCF-style: chrX-70627866-GACT-G.
Other names: c.4252TAC[1], p.Tyr1419del (NM_001286074.2); c.4189TAC[1], p.Tyr1398del (NM_138923.4); short protein forms Y1398del, Y1419del.
Identifiers: ClinVar variation 3645812 (VCV003645812.2).

ClinVar aggregate classification (germline): Uncertain significance (1 of 4 stars; one submission).

Submission:

Labcorp Genetics (formerly Invitae), Labcorp
Classification: Uncertain significance. Last evaluated: 2024-10-23. Review status: criteria provided, single submitter. Criteria: Invitae Variant Classification Sherloc (09022015). Collection method: clinical testing. Allele origin: germline.
Comment: This variant, c.4315_4317del, results in the deletion of 1 amino acid(s) of the TAF1 protein (p.Tyr1439del), but otherwise preserves the integrity of the reading frame. This variant is not present in population databases (gnomAD no frequency). This variant has not been reported in the literature in individuals affected with TAF1-related conditions. Experimental studies and prediction algorithms are not available or were not evaluated, and the functional significance of this variant is currently unknown. In summary, the available evidence is currently insufficient to determine the role of this variant in disease. Therefore, it has been classified as a Variant of Uncertain Significance.